The following is an entry in ClinVar:

NM_000135.4(FANCA):c.375C>A (p.Cys125Ter)

Gene: FANCA (FA complementation group A; minus strand). Cytogenetic location: 16q24.3.
Variant type: single nucleotide variant.
Coding change: c.375C>A on transcript NM_000135.4 (MANE Select); coding-DNA position 375, C replaced by A.
Protein change: p.Cys125Ter; replaces cysteine 125 with a stop codon.
Molecular consequence: nonsense.
Genome position (GRCh38, 1-based): chr16:89,810,980, G>T on the plus strand (C>A on the coding strand, the complement: FANCA is on the minus strand). VCF-style: chr16-89810980-G-T. GRCh37 (hg19) VCF-style: chr16-89877388-G-T.
Other names: c.375C>A, p.Cys125Ter (NM_001018112.3, NM_001286167.3, NM_001351830.2); short protein forms C125*.
Identifiers: ClinVar variation 4817533 (VCV004817533.1).

ClinVar aggregate classification (germline): Likely pathogenic (1 of 4 stars; one submission).

Conditions:
Fanconi anemia (FA). Also called: Fanconi's anemia. Identifiers: Orphanet 84, MedGen C0015625, MeSH D005199, MONDO:0019391.

Submission:

Natera, Inc.
Classification: Likely pathogenic for Fanconi anemia. Last evaluated: 2024-12-09. Review status: criteria provided, single submitter. Criteria: Natera Variant Classification Schema (03/2026). Collection method: clinical testing. Allele origin: germline.
Comment: The c.375C>A variant in FANCA is a nonsense variant predicted to introduce a stop codon at amino acid 125. This variant is expected to result in nonsense mediated decay, truncation, or a dysfunctional protein product. This variant is rare in the general population with a frequency below the threshold expected for the associated phenotype(s). Given the available evidence, this variant is classified as Likely Pathogenic.